The following is an entry in ClinVar:

ClinVar aggregate classification (germline): Uncertain significance (1 of 4 stars; one submission).

gnomAD v4.1: 4 of 1,613,572 alleles (0.00025%); highest among the groups gnomAD compares: Non-Finnish European, 0.00034%; no homozygotes.

Submission:

Ambry Genetics
Classification: Uncertain significance. Last evaluated: 2021-12-06. Review status: criteria provided, single submitter. Criteria: Ambry Variant Classification Scheme 2023. Collection method: clinical testing. Allele origin: germline.
Comment: The p.E65G variant (also known as c.194A>G), located in coding exon 2 of the ALPK2 gene, results from an A to G substitution at nucleotide position 194. The glutamic acid at codon 65 is replaced by glycine, an amino acid with similar properties. This amino acid position is conserved. In addition, this alteration is predicted to be tolerated by in silico analysis. Since supporting evidence is limited at this time, the clinical significance of this alteration remains unclear.

NM_052947.4(ALPK2):c.194A>G (p.Glu65Gly)

Gene: ALPK2 (alpha kinase 2; minus strand). Cytogenetic location: 18q21.32.
Variant type: single nucleotide variant.
Coding change: c.194A>G on transcript NM_052947.4 (MANE Select); coding-DNA position 194, A replaced by G.
Protein change: p.Glu65Gly; replaces glutamic acid 65 with glycine.
Molecular consequence: missense variant.
Genome position (GRCh38, 1-based): chr18:58,607,355, T>C on the plus strand (A>G on the coding strand, the complement: ALPK2 is on the minus strand). VCF-style: chr18-58607355-T-C. GRCh37 (hg19) VCF-style: chr18-56274587-T-C.
Other names: short protein forms E65G.
Identifiers: ClinVar variation 1783181 (VCV001783181.2), dbSNP rs2518912920, ClinGen allele CA402555823.